The following is an entry in ClinVar:

NM_033100.4(CDHR1):c.1982G>A (p.Arg661Gln)

Gene: CDHR1 (cadherin related family member 1; plus strand). Cytogenetic location: 10q23.1.
Variant type: single nucleotide variant.
Coding change: c.1982G>A on transcript NM_033100.4 (MANE Select); coding-DNA position 1982, G replaced by A.
Protein change: p.Arg661Gln; replaces arginine 661 with glutamine.
Molecular consequence: missense variant.
Genome position (GRCh38, 1-based): chr10:84,213,290, G>A. VCF-style: chr10-84213290-G-A. GRCh37 (hg19) VCF-style: chr10-85973046-G-A.
Other names: c.1982G>A, p.Arg661Gln (NM_001171971.3); short protein forms R661Q.
Identifiers: ClinVar variation 1020420 (VCV001020420.6), dbSNP rs150840551, ClinGen allele CA5580105.

ClinVar aggregate classification (germline): Uncertain significance. Review status: criteria provided, multiple submitters, no conflicts (2 of 4 stars). 2 submissions from 2 submitters: Uncertain significance (2). Last evaluated 2026-01-12.

Allele frequency attached by ClinVar (database versions not stated): TOPMed 0.00007; gnomAD 0.00008 and 0.00009; ESP Exome Variant Server 0.00031.
gnomAD v4.1: 93 of 1,614,076 alleles (0.0058%); highest among the groups gnomAD compares: African/African-American, 0.008%; no homozygotes.

Submissions (2):

Labcorp Genetics (formerly Invitae), Labcorp
Classification: Uncertain significance. Last evaluated: 2026-01-12. Review status: criteria provided, single submitter. Criteria: Invitae Variant Classification Sherloc (09022015). Collection method: clinical testing. Allele origin: germline.
Comment: This sequence change replaces arginine, which is basic and polar, with glutamine, which is neutral and polar, at codon 661 of the CDHR1 protein (p.Arg661Gln). This variant is present in population databases (rs150840551, gnomAD 0.01%). This variant has not been reported in the literature in individuals affected with CDHR1-related conditions. ClinVar contains an entry for this variant (Variation ID: 1020420). Invitae Evidence Modeling of protein sequence and biophysical properties (such as structural, functional, and spatial information, amino acid conservation, physicochemical variation, residue mobility, and thermodynamic stability) indicates that this missense variant is not expected to disrupt CDHR1 protein function with a negative predictive value of 80%. In summary, the available evidence is currently insufficient to determine the role of this variant in disease. Therefore, it has been classified as a Variant of Uncertain Significance.

Blueprint Genetics
Classification: Uncertain significance. Last evaluated: 2022-05-01. Review status: criteria provided, single submitter. Criteria: ACMG Guidelines, 2015. Collection method: clinical testing. Allele origin: germline.